The following is an entry in ClinVar:

NM_001110219.3(GJB6):c.680C>T (p.Thr227Met)

Gene: GJB6 (gap junction protein beta 6; minus strand). Cytogenetic location: 13q12.11.
Variant type: single nucleotide variant.
Coding change: c.680C>T on transcript NM_001110219.3 (MANE Select); coding-DNA position 680, C replaced by T.
Protein change: p.Thr227Met; replaces threonine 227 with methionine.
Molecular consequence: missense variant.
Genome position (GRCh38, 1-based): chr13:20,222,801, G>A on the plus strand (C>T on the coding strand, the complement: GJB6 is on the minus strand). VCF-style: chr13-20222801-G-A. GRCh37 (hg19) VCF-style: chr13-20796940-G-A.
Other names: c.680C>T, p.Thr227Met (NM_001110220.3, NM_001110221.3, NM_001370090.1 and 3 more transcripts); c.680C>T (NM_001110219.2); short protein forms T227M.
Identifiers: ClinVar variation 311379 (VCV000311379.16), dbSNP rs199790650, ClinGen allele CA6904398.
Genomic context (GRCh38, chr13:20,222,801, plus strand): 5'-AGCTCATTCATTTCATTCTGCTTACTCTCCTTTAGGGCATGATTGGGGTGATTTTTTTGC[G>A]TCTGTGCTCTCTTTGATCTCCTAAAACACACTTTCAGCAGCAGGTAGCACAACTCTGCCA-3'
Protein context (NP_001103689.1, residues 217-237): VCFRRSKRAQ[Thr227Met]QKNHPNHALK

ClinVar aggregate classification (germline): Uncertain significance. Review status: criteria provided, multiple submitters, no conflicts (2 of 4 stars). 4 submissions from 4 submitters: Uncertain significance (3). 1 of the submissions does not count toward it. Last evaluated 2025-12-08.

Conditions:
Autosomal dominant nonsyndromic hearing loss 3B. Identifiers: Orphanet 90635, MedGen C2675237, MONDO:0012975, OMIM 612643.
Hidrotic ectodermal dysplasia syndrome (GJB6). Also called: Hidrotic ectodermal dysplasia; Ectodermal dysplasia 2, hidrotic; Autosomal dominant hidrotic ectodermal dysplasia; Clouston syndrome; Clouston's hidrotic ectodermal dysplasia; CLOUSTON HIDROTIC ECTODERMAL DYSPLASIA. Identifiers: Orphanet 189, MedGen C0162361, MONDO:0007510, OMIM 129500.
Autosomal recessive nonsyndromic hearing loss 1A (DFNB1A). Also called: Nonsyndromic Hearing Loss and Deafness, DFNB1; GJB6-Related DFNB 1 Nonsyndromic Hearing Loss and Deafness; Deafness, autosomal recessive 1A; GJB2-Related Autosomal Recessive Nonsyndromic Hearing Loss; Connexin 26 deafness; Deafness nonsyndromic, Connexin 26 linked. Identifiers: Orphanet 90636, MedGen C2673759, MONDO:0009076, OMIM 220290.
Autosomal recessive nonsyndromic hearing loss 1B. Also called: DEAFNESS, AUTOSOMAL RECESSIVE 1B. Identifiers: Orphanet 90636, MedGen C2675235, MONDO:0012977, OMIM 612645.
GJB6-related disorder. Also called: GJB6-related disorders.

Allele frequency attached by ClinVar (database versions not stated): ESP Exome Variant Server 0.00015; gnomAD 0.00019 and 0.00022; gnomAD exomes 0.00010 and 0.00012; ExAC 0.00012; TOPMed 0.00021.
gnomAD v4.1: 178 of 1,613,660 alleles (0.011%); highest among the groups gnomAD compares: African/African-American, 0.019%; no homozygotes.

Submissions (4):

Labcorp Genetics (formerly Invitae), Labcorp
Classification: Uncertain significance for Autosomal dominant nonsyndromic hearing loss 3B; Hidrotic ectodermal dysplasia syndrome; Autosomal recessive nonsyndromic hearing loss 1B; Autosomal recessive nonsyndromic hearing loss 1A. Last evaluated: 2025-12-08. Review status: criteria provided, single submitter. Criteria: Invitae Variant Classification Sherloc (09022015). Collection method: clinical testing. Allele origin: germline.
Comment: This sequence change replaces threonine, which is neutral and polar, with methionine, which is neutral and non-polar, at codon 227 of the GJB6 protein (p.Thr227Met). This variant is present in population databases (rs199790650, gnomAD 0.04%). This variant has not been reported in the literature in individuals affected with GJB6-related conditions. ClinVar contains an entry for this variant (Variation ID: 311379). Invitae Evidence Modeling of protein sequence and biophysical properties (such as structural, functional, and spatial information, amino acid conservation, physicochemical variation, residue mobility, and thermodynamic stability) indicates that this missense variant is not expected to disrupt GJB6 protein function with a negative predictive value of 80%. In summary, the available evidence is currently insufficient to determine the role of this variant in disease. Therefore, it has been classified as a Variant of Uncertain Significance.

Institute for Clinical Genetics, University Hospital TU Dresden, University Hospital TU Dresden
Classification: Uncertain significance. Last evaluated: 2021-11-03. Review status: criteria provided, single submitter. Criteria: ACMG Guidelines, 2015. Collection method: clinical testing. Allele origin: germline.

Illumina Laboratory Services, Illumina
Classification: Uncertain significance for Hidrotic ectodermal dysplasia syndrome. Last evaluated: 2018-01-12. Review status: criteria provided, single submitter. Criteria: ICSL Variant Classification Criteria 13 December 2019. Collection method: clinical testing. Allele origin: germline.

PreventionGenetics, part of Exact Sciences
Classification: Uncertain significance for GJB6-related condition. Last evaluated: 2024-05-23. Review status: no assertion criteria provided. Collection method: clinical testing. Allele origin: germline. Not counted in ClinVar's aggregate classification.
Comment: The GJB6 c.680C>T variant is predicted to result in the amino acid substitution p.Thr227Met. To our knowledge, this variant has not been reported in the literature. This variant is reported in 0.039% of alleles in individuals of Ashkenazi Jewish descent in gnomAD. At this time, the clinical significance of this variant is uncertain due to the absence of conclusive functional and genetic evidence.